The following is an entry in ClinVar:

NM_021969.3(NR0B2):c.293_301delinsAC (p.Leu98fs)

Genes: NR0B2 (nuclear receptor subfamily 0 group B member 2; minus strand), NUDC (nuclear distribution C, dynein complex regulator; plus strand). Cytogenetic location: 1p36.11.
Variant type: Indel.
Coding change: c.293_301delinsAC on transcript NM_021969.3 (MANE Select); coding-DNA positions 293 to 301, TTGGGTTGG replaced by AC.
Protein change: p.Leu98fs; shifts the reading frame from leucine 98.
Molecular consequence: frameshift variant.
Genome position (GRCh38, 1-based): chr1:26,913,640-26,913,648, CCAACCCAA replaced by GT on the plus strand (TTGGGTTGG replaced by AC on the coding strand, the reverse complement: NR0B2 is on the minus strand). VCF-style: chr1-26913640-CCAACCCAA-GT. GRCh37 (hg19) VCF-style: chr1-27240131-CCAACCCAA-GT.
Other names: c.293_301delTTGGGTTGGinsAC (NM_021969.3); c.293_301delinsAC (NM_021969.2); short protein forms L98fs.
Identifiers: ClinVar variation 636298 (VCV000636298.3), dbSNP rs1570714352, ClinGen allele CA915941185.

ClinVar aggregate classification (germline): Conflicting classifications of pathogenicity. Review status: criteria provided, conflicting classifications (1 of 4 stars). 3 submissions from 3 submitters: Likely pathogenic (1); Uncertain significance (1). 1 of the submissions does not count toward it. Last evaluated 2026-08-29.

Conditions:
NR0B2-related disorder. Also called: NR0B2-related condition.
APC-mutation negative familial colorectal cancer.
Obesity. Also called: Obesity disorder. Identifiers: Orphanet 71529, MedGen C0028754, MeSH D009765, MONDO:0011122, HP:0001513.

Submissions (3):

PreventionGenetics, part of Exact Sciences
Classification: Uncertain significance for NR0B2-related condition. Last evaluated: 2026-08-29. Review status: criteria provided, single submitter. Criteria: ACMG Guidelines, 2015. Collection method: clinical testing. Allele origin: germline.
Comment: The NR0B2 c.293_301delinsAC variant is predicted to result in a frameshift and premature protein termination (p.Leu98Hisfs*6). This variant was reported in an individual with obesity, type 2 diabetes and hyperinsulinemia (Shi et al. 2023. PubMed ID: 37083215) and in multiple members of a second family, all with diabetes (Lee et al. 2023. PubMed ID: 38171348). This variant has not been reported in a large population database (gnomAD), indicating this variant is rare. Heterozygous chain-terminating variants have been associated with mild obesity in a small number of subjects in the literature (Nishigori et al. 2001. PubMed ID: 11136233); however, genomic data from the gnomAD cohort suggests that NR0B2 is tolerant to chain-terminating variants. Although we suspect that this variant may be pathogenic, at this time, the clinical significance of this variant is uncertain due to the absence of conclusive functional and genetic evidence.

New York Genome Center
Classification: Likely pathogenic for Inherited obesity. Last evaluated: 2021-08-12. Review status: criteria provided, single submitter. Criteria: NYGC Assertion Criteria 2020. Collection method: clinical testing. Allele origin: germline. Affected: yes. Observed: 1 heterozygote.
Comment: The c.293_301delinsAC (p.Leu98HisfsTer6) variant identified in the NR0B2 gene is a deletion insertion variant cumulatively resulting in the loss of 7 nucleotides and a frameshift of the protein at amino acid 98/258 (exon 1/2). This is predicted to lead to the premature termination of the protein approximately 6 amino acids downstream. This variant is absent from gnomAD(v3.1.1) suggesting it is not a common benign variant in the populations represented in that database. This variant is reported as Likely Pathogenic in ClinVar (VarID:636298) and has been reported in an individual in the literature with obesity, diabetes, and decreased insulin sensitivity [PMID:18781616]. Given its deleterious nature, absence in population databases, and observation in an affected individual in the literature, thec.293_301delinsAC (p.Leu98HisfsTer6) variant identified in the NR0B2 gene is reported as Likely Pathogenic.

Colorectal Cancer Research Lab, Singapore General Hospital
Classification: Likely pathogenic for APC-mutation negative familial colorectal cancer. Last evaluated: 2019-05-31. Review status: no assertion criteria provided. Collection method: research. Allele origin: germline. Affected: yes. Observed: 2 variant alleles. Not counted in ClinVar's aggregate classification.

Literature cited by the submitters: PubMed 33094510 (cited by Colorectal Cancer Research Lab, Singapore General Hospital).